The following is an entry in ClinVar:

ClinVar aggregate classification (germline): Uncertain significance. Review status: criteria provided, multiple submitters, no conflicts (2 of 4 stars). 2 submissions from 2 submitters: Uncertain significance (2). Last evaluated 2024-10-15.

Conditions:
Inborn genetic diseases. Identifiers: MedGen C0950123, MeSH D030342.
Early-infantile DEE. Also called: Early infantile epileptic encephalopathy with suppression bursts; Early infantile epileptic encephalopathy; Ohtahara syndrome. Identifiers: Orphanet 1934, MedGen C0393706, MONDO:0800491.

gnomAD v4.1: 1 of 1,614,010 alleles (0.000062%); no homozygotes.

Submissions (2):

Labcorp Genetics (formerly Invitae), Labcorp
Classification: Uncertain significance for Early-infantile DEE. Last evaluated: 2024-10-15. Review status: criteria provided, single submitter. Criteria: Invitae Variant Classification Sherloc (09022015). Collection method: clinical testing. Allele origin: germline.
Comment: This sequence change replaces threonine, which is neutral and polar, with proline, which is neutral and non-polar, at codon 1920 of the SCN8A protein (p.Thr1920Pro). This variant is not present in population databases (gnomAD no frequency). This variant has not been reported in the literature in individuals affected with SCN8A-related conditions. ClinVar contains an entry for this variant (Variation ID: 1445246). Invitae Evidence Modeling of protein sequence and biophysical properties (such as structural, functional, and spatial information, amino acid conservation, physicochemical variation, residue mobility, and thermodynamic stability) indicates that this missense variant is not expected to disrupt SCN8A protein function with a negative predictive value of 95%. In summary, the available evidence is currently insufficient to determine the role of this variant in disease. Therefore, it has been classified as a Variant of Uncertain Significance.

Ambry Genetics
Classification: Uncertain significance for Inborn genetic diseases. Last evaluated: 2023-07-14. Review status: criteria provided, single submitter. Criteria: Ambry Variant Classification Scheme 2023. Collection method: clinical testing. Allele origin: germline.

NM_001330260.2(SCN8A):c.5758A>C (p.Thr1920Pro)

Gene: SCN8A (sodium voltage-gated channel alpha subunit 8; plus strand). Cytogenetic location: 12q13.13.
Variant type: single nucleotide variant.
Coding change: c.5758A>C on transcript NM_001330260.2 (MANE Select); coding-DNA position 5758, A replaced by C.
Protein change: p.Thr1920Pro; replaces threonine 1920 with proline.
Molecular consequence: missense variant.
Genome position (GRCh38, 1-based): chr12:51,807,244, A>C. VCF-style: chr12-51807244-A-C. GRCh37 (hg19) VCF-style: chr12-52201028-A-C.
Other names: c.5758A>C (NM_014191.2); c.5635A>C, p.Thr1879Pro (NM_001177984.3, NM_001369788.1); c.5758A>C, p.Thr1920Pro (NM_014191.4); short protein forms T1920P, T1879P.
Identifiers: ClinVar variation 1445246 (VCV001445246.10), dbSNP rs2138944655, ClinGen allele CA384889193.